The following is an entry in ClinVar:

ClinVar aggregate classification (germline): Likely pathogenic (1 of 4 stars; one submission).

Conditions:
Glycine encephalopathy. Also called: Non-ketotic hyperglycinemia; Nonketotic hyperglycinemia. Identifiers: Orphanet 407, MedGen C0751748, MONDO:0011612, HP:0008288.

Submission:

Myriad Genetics, Inc.
Classification: Likely pathogenic for Glycine encephalopathy 1. Last evaluated: 2022-03-01. Review status: criteria provided, single submitter. Criteria: Myriad Women's Health Autosomal Recessive and X-Linked Classification Criteria (2021). Collection method: clinical testing. Allele origin: unknown.
Comment: NM_000170.2(GLDC):c.1800_1801ins7(D601Rfs*3) is expected to be pathogenic in the context of glycine encephalopathy, GLDC-related. This variant is predicted to lead to an abnormal or absent protein product due to the creation of a premature termination codon in GLDC, a gene where loss-of-function variants are known to be pathogenic. Please note: this variant was assessed in the context of healthy population screening.

NM_000170.3(GLDC):c.1800_1801insAGACAGT (p.Asp601delinsArgGlnTer)

Gene: GLDC (glycine decarboxylase; minus strand). Cytogenetic location: 9p24.1.
Variant type: Insertion.
Coding change: c.1800_1801insAGACAGT on transcript NM_000170.3 (MANE Select); coding-DNA positions 1800 to 1801, AGACAGT inserted.
Protein change: p.Asp601delinsArgGlnTer.
Molecular consequence: nonsense.
Genome position: GRCh38 VCF-style: chr9-6587190-C-CACTGTCT. GRCh37 (hg19) VCF-style: chr9-6587190-C-CACTGTCT.
Identifiers: ClinVar variation 1724848 (VCV001724848.2), dbSNP rs2489076733, ClinGen allele CA2580080221.